The following is an entry in ClinVar:

ClinVar aggregate classification (germline): Likely benign. Review status: criteria provided, multiple submitters, no conflicts (2 of 4 stars). 6 submissions from 6 submitters: Likely benign (6). Last evaluated 2025-08-21.

Conditions:
Hereditary cancer-predisposing syndrome. Also called: Hereditary neoplastic syndrome; Tumor predisposition; Hereditary Cancer Syndrome; Neoplastic Syndromes, Hereditary. Identifiers: Orphanet 140162, MedGen C0027672, MeSH D009386, MONDO:0015356.
Hereditary breast ovarian cancer syndrome. Also called: Hereditary breast and/or ovarian cancer syndrome; BRCA1- and BRCA2-Associated Hereditary Breast and Ovarian Cancer; Breast and ovarian cancer; Hereditary breast and ovarian cancer; Hereditary breast and ovarian cancer syndrome; Hereditary breast and ovarian cancer syndrome (HBOC). Identifiers: Orphanet 145, MedGen C0677776, MeSH D061325, MONDO:0003582. Disease mechanism: loss of function.

gnomAD v4.1: 1 of 1,614,100 alleles (0.000062%); no homozygotes.

Submissions (6):

Mayo Clinic Laboratories, Mayo Clinic
Classification: Likely benign. Last evaluated: 2025-08-21. Review status: criteria provided, single submitter. Criteria: ACMG Guidelines, 2015. Collection method: clinical testing. Allele origin: germline. Observed: 1 variant allele.
Comment: BP4, BP7

Labcorp Genetics (formerly Invitae), Labcorp
Classification: Likely benign for Hereditary breast ovarian cancer syndrome. Last evaluated: 2025-08-10. Review status: criteria provided, single submitter. Criteria: Invitae Variant Classification Sherloc (09022015). Collection method: clinical testing. Allele origin: germline.

Quest Diagnostics Nichols Institute San Juan Capistrano
Classification: Likely benign. Last evaluated: 2025-06-06. Review status: criteria provided, single submitter. Criteria: Quest Diagnostics criteria. Collection method: clinical testing. Allele origin: unknown.

Ambry Genetics
Classification: Likely benign for Hereditary cancer-predisposing syndrome. Last evaluated: 2021-04-14. Review status: criteria provided, single submitter. Criteria: Ambry Variant Classification Scheme 2023. Collection method: clinical testing. Allele origin: germline.

Women's Health and Genetics/Laboratory Corporation of America, LabCorp
Classification: Likely benign. Last evaluated: 2020-12-18. Review status: criteria provided, single submitter. Criteria: LabCorp Variant Classification Summary - May 2015. Collection method: clinical testing. Allele origin: germline.

Color Diagnostics, LLC DBA Color Health
Classification: Likely benign for Hereditary cancer-predisposing syndrome. Last evaluated: 2017-09-05. Review status: criteria provided, single submitter. Criteria: ACMG Guidelines, 2015. Collection method: clinical testing. Allele origin: germline.

NM_000059.4(BRCA2):c.8205C>G (p.Pro2735=)

Gene: BRCA2 (BRCA2 DNA repair associated; plus strand). Cytogenetic location: 13q13.1.
Variant type: single nucleotide variant.
Coding change: c.8205C>G on transcript NM_000059.4 (MANE Select); coding-DNA position 8205, C replaced by G.
Protein change: p.Pro2735=; no amino-acid change (proline 2735 retained).
Molecular consequence: synonymous variant.
Genome position (GRCh38, 1-based): chr13:32,363,407, C>G. VCF-style: chr13-32363407-C-G. GRCh37 (hg19) VCF-style: chr13-32937544-C-G.
Other names: p.Pro2735=.
Identifiers: ClinVar variation 491347 (VCV000491347.17), dbSNP rs967189548, ClinGen allele CA483439625.
Genomic context (GRCh38, chr13:32,363,407, plus strand): 5'-AGTGGCCATTATTGAACTTACAGATGGGTGGTATGCTGTTAAGGCCCAGTTAGATCCTCC[C>G]CTCTTAGCTGTCTTAAAGAATGGCAGACTGACAGTTGGTCAGAAGATTATTCTTCATGGA-3'
Protein context (NP_000050.3, residues 2725-2745): WYAVKAQLDP[Pro2735=]LLAVLKNGRL